The following is an entry in ClinVar:

ClinVar aggregate classification (germline): Uncertain significance (1 of 4 stars; one submission).

Allele frequency attached by ClinVar (database versions not stated): gnomAD 0.00003; ExAC 0.00004; gnomAD exomes 0.00004; TOPMed 0.00004; ESP Exome Variant Server 0.00008.
gnomAD v4.1: 73 of 1,575,094 alleles (0.0046%); highest among the groups gnomAD compares: Non-Finnish European, 0.0052%; no homozygotes.

Submission:

Labcorp Genetics (formerly Invitae), Labcorp
Classification: Uncertain significance. Last evaluated: 2022-05-07. Review status: criteria provided, single submitter. Criteria: Invitae Variant Classification Sherloc (09022015). Collection method: clinical testing. Allele origin: germline.
Comment: This sequence change falls in intron 1 of the ATP6V1E1 gene. It does not directly change the encoded amino acid sequence of the ATP6V1E1 protein. It affects a nucleotide within the consensus splice site. This variant is present in population databases (rs368614063, gnomAD 0.007%). This variant has not been reported in the literature in individuals affected with ATP6V1E1-related conditions. Variants that disrupt the consensus splice site are a relatively common cause of aberrant splicing (PMID: 17576681, 9536098). Algorithms developed to predict the effect of sequence changes on RNA splicing suggest that this variant is not likely to affect RNA splicing. In summary, the available evidence is currently insufficient to determine the role of this variant in disease. Therefore, it has been classified as a Variant of Uncertain Significance.

Literature cited by the submitters: PubMed 17576681; PubMed 9536098.

NM_001696.4(ATP6V1E1):c.34-3T>C

Gene: ATP6V1E1 (ATPase H+ transporting V1 subunit E1; minus strand). Cytogenetic location: 22q11.21.
Variant type: single nucleotide variant.
Coding change: c.34-3T>C on transcript NM_001696.4 (MANE Select); 3 bases into the intron before coding-DNA position 34, T replaced by C.
Molecular consequence: intron variant.
Genome position (GRCh38, 1-based): chr22:17,619,529, A>G on the plus strand (T>C on the coding strand, the complement: ATP6V1E1 is on the minus strand). VCF-style: chr22-17619529-A-G. GRCh37 (hg19) VCF-style: chr22-18102295-A-G.
Other names: c.34-6209T>C (NM_001039366.1); c.34-3T>C (NM_001039367.1).
Identifiers: ClinVar variation 1947710 (VCV001947710.2), dbSNP rs368614063, ClinGen allele CA10090230.
Genomic context (GRCh38, chr22:17,619,529, plus strand): 5'-CTATTTCTTCTGCTTTCTCATTGGCTTCTTGTTCAATGAAAGCCATCATATGCTTTATCT[A>G]TAAGGAAAAAAAGTTTTATTTTTTAGTTCAAAAATATGGAAATATCTTTTCTGATTCATT-3'